The following is an entry in ClinVar:

ClinVar aggregate classification (germline): Uncertain significance (1 of 4 stars; one submission).

Conditions:
Combined oxidative phosphorylation defect type 17. Also called: Combined oxidative phosphorylation deficiency 17. Identifiers: Orphanet 369913, MedGen C3809526, MONDO:0014190, OMIM 615440.

gnomAD v4.1: 9 of 1,611,080 alleles (0.00056%); highest among the groups gnomAD compares: Non-Finnish European, 0.00068%; no homozygotes.

Submission:

Labcorp Genetics (formerly Invitae), Labcorp
Classification: Uncertain significance for Combined oxidative phosphorylation defect type 17. Last evaluated: 2021-04-17. Review status: criteria provided, single submitter. Criteria: Invitae Variant Classification Sherloc (09022015). Collection method: clinical testing. Allele origin: germline.
Comment: In summary, the available evidence is currently insufficient to determine the role of this variant in disease. Therefore, it has been classified as a Variant of Uncertain Significance. Algorithms developed to predict the effect of missense changes on protein structure and function are either unavailable or do not agree on the potential impact of this missense change (SIFT: "Tolerated"; PolyPhen-2: "Probably Damaging"; Align-GVGD: "Class C0"). This variant has not been reported in the literature in individuals with ELAC2-related conditions. This variant is not present in population databases (ExAC no frequency). This sequence change replaces arginine with leucine at codon 781 of the ELAC2 protein (p.Arg781Leu). The arginine residue is moderately conserved and there is a moderate physicochemical difference between arginine and leucine.

NM_018127.7(ELAC2):c.2342G>T (p.Arg781Leu)

Gene: ELAC2 (elaC ribonuclease Z 2; minus strand). Cytogenetic location: 17p12.
Variant type: single nucleotide variant.
Coding change: c.2342G>T on transcript NM_018127.7 (MANE Select); coding-DNA position 2342, G replaced by T.
Protein change: p.Arg781Leu; replaces arginine 781 with leucine.
Molecular consequence: missense variant.
Genome position (GRCh38, 1-based): chr17:12,992,957, C>A on the plus strand (G>T on the coding strand, the complement: ELAC2 is on the minus strand). VCF-style: chr17-12992957-C-A. GRCh37 (hg19) VCF-style: chr17-12896274-C-A.
Other names: c.2222G>T, p.Arg741Leu (NM_001165962.2); c.2339G>T, p.Arg780Leu (NM_173717.2); short protein forms R780L, R741L, R781L.
Identifiers: ClinVar variation 1346303 (VCV001346303.6), dbSNP rs119484086, ClinGen allele CA398222264.